The following is an entry in ClinVar:

NM_001291303.3(FAT4):c.14093A>G (p.Asn4698Ser)

Gene: FAT4 (FAT atypical cadherin 4; plus strand). Cytogenetic location: 4q28.1.
Variant type: single nucleotide variant.
Coding change: c.14093A>G on transcript NM_001291303.3 (MANE Select); coding-DNA position 14093, A replaced by G.
Protein change: p.Asn4698Ser; replaces asparagine 4698 with serine.
Molecular consequence: missense variant.
Genome position (GRCh38, 1-based): chr4:125,490,909, A>G. VCF-style: chr4-125490909-A-G. GRCh37 (hg19) VCF-style: chr4-126412064-A-G.
Other names: c.14090A>G, p.Asn4697Ser (NM_001291285.3); c.14087A>G, p.Asn4696Ser (NM_024582.6); c.14087A>G (NM_024582.4); short protein forms N4696S, N4697S, N4698S.
Identifiers: ClinVar variation 1407959 (VCV001407959.3), dbSNP rs1314487913, ClinGen allele CA358140787.

ClinVar aggregate classification (germline): Uncertain significance. Review status: criteria provided, multiple submitters, no conflicts (2 of 4 stars). 2 submissions from 2 submitters: Uncertain significance (2). Last evaluated 2022-08-16.

Allele frequency attached by ClinVar (database versions not stated): gnomAD exomes below 0.00001 and 0.00001.
gnomAD v4.1: 5 of 1,613,698 alleles (0.00031%); highest among the groups gnomAD compares: Non-Finnish European, 0.00042%; no homozygotes.

Submissions (2):

Labcorp Genetics (formerly Invitae), Labcorp
Classification: Uncertain significance. Last evaluated: 2022-08-16. Review status: criteria provided, single submitter. Criteria: Invitae Variant Classification Sherloc (09022015). Collection method: clinical testing. Allele origin: germline.
Comment: This sequence change replaces asparagine, which is neutral and polar, with serine, which is neutral and polar, at codon 4696 of the FAT4 protein (p.Asn4696Ser). This variant is present in population databases (no rsID available, gnomAD 0.0009%). This variant has not been reported in the literature in individuals affected with FAT4-related conditions. ClinVar contains an entry for this variant (Variation ID: 1407959). Advanced modeling of protein sequence and biophysical properties (such as structural, functional, and spatial information, amino acid conservation, physicochemical variation, residue mobility, and thermodynamic stability) performed at Invitae indicates that this missense variant is not expected to disrupt FAT4 protein function. Algorithms developed to predict the effect of sequence changes on RNA splicing suggest that this variant may create or strengthen a splice site. In summary, the available evidence is currently insufficient to determine the role of this variant in disease. Therefore, it has been classified as a Variant of Uncertain Significance.

GeneDx
Classification: Uncertain significance. Last evaluated: 2022-08-11. Review status: criteria provided, single submitter. Criteria: GeneDx Variant Classification Process June 2021. Collection method: clinical testing. Allele origin: germline. Affected: yes.
Comment: Not observed at significant frequency in large population cohorts (gnomAD); In silico analysis supports that this missense variant does not alter protein structure/function; Has not been previously published as pathogenic or benign to our knowledge